The following is an entry in ClinVar:

NM_001375524.1(TRRAP):c.1593A>T (p.Gly531=)

Gene: TRRAP (transformation/transcription domain associated protein; plus strand). Cytogenetic location: 7q22.1.
Variant type: single nucleotide variant.
Coding change: c.1593A>T on transcript NM_001375524.1 (MANE Select); coding-DNA position 1593, A replaced by T.
Protein change: p.Gly531=; no amino-acid change (glycine 531 retained).
Molecular consequence: synonymous variant.
Genome position (GRCh38, 1-based): chr7:98,910,298, A>T. VCF-style: chr7-98910298-A-T. GRCh37 (hg19) VCF-style: chr7-98507921-A-T.
Other names: c.1593A>T, p.Gly531= (NM_001244580.2, NM_003496.4); c.1593A>T (NM_003496.3).
Identifiers: ClinVar variation 2066126 (VCV002066126.6), dbSNP rs376638407, ClinGen allele CA4359573.

ClinVar aggregate classification (germline): Likely benign. Review status: criteria provided, multiple submitters, no conflicts (2 of 4 stars). 2 submissions from 2 submitters: Likely benign (2). Last evaluated 2026-06-23.

Conditions:
TRRAP-related disorder. Also called: TRRAP-related condition.

Allele frequency attached by ClinVar (database versions not stated): gnomAD 0.00003; TOPMed 0.00003; ExAC 0.00004; ESP Exome Variant Server 0.00008; gnomAD exomes 0.00010.
gnomAD v4.1: 153 of 1,606,740 alleles (0.0095%); highest among the groups gnomAD compares: Non-Finnish European, 0.012%; no homozygotes.

Submissions (3):

PreventionGenetics, part of Exact Sciences
Classification: Likely benign for TRRAP-related condition. Last evaluated: 2026-06-23. Review status: criteria provided, single submitter. Criteria: ACMG Guidelines, 2015. Collection method: clinical testing. Allele origin: germline.
Comment: This variant is classified as likely benign based on ACMG/AMP sequence variant interpretation guidelines (Richards et al. 2015 PMID: 25741868, with internal and published modifications).

Labcorp Genetics (formerly Invitae), Labcorp
Classification: Likely benign. Last evaluated: 2024-10-17. Review status: criteria provided, single submitter. Criteria: Invitae Variant Classification Sherloc (09022015). Collection method: clinical testing. Allele origin: germline.

Dr. Peter K. Rogan Lab, Western University
No classification provided (evidence only). Condition: Melanoma. Review status: no classification provided. Collection method: in vitro. Allele origin: not applicable. Functional consequence: retained intron. Not counted in ClinVar's aggregate classification.